The following is an entry in ClinVar:

ClinVar aggregate classification (germline): Uncertain significance (1 of 4 stars; one submission).

Conditions:
Muscular dystrophy-dystroglycanopathy (congenital with brain and eye anomalies), type a, 8 (MDDGA8). Also called: WALKER-WARBURG SYNDROME OR MUSCLE-EYE-BRAIN DISEASE, GTDC2-RELATED. Identifiers: Orphanet 899, MedGen C3553813, MONDO:0013904, OMIM 614830.

Allele frequency attached by ClinVar (database versions not stated): gnomAD exomes 0.00001 and 0.00002; TOPMed 0.00001; ExAC 0.00002.
gnomAD v4.1: 18 of 1,614,212 alleles (0.0011%); highest among the groups gnomAD compares: South Asian, 0.012%; no homozygotes.

Submission:

Labcorp Genetics (formerly Invitae), Labcorp
Classification: Uncertain significance for Muscular dystrophy-dystroglycanopathy (congenital with brain and eye anomalies), type a, 8. Last evaluated: 2023-08-04. Review status: criteria provided, single submitter. Criteria: Invitae Variant Classification Sherloc (09022015). Collection method: clinical testing. Allele origin: germline.
Comment: In summary, the available evidence is currently insufficient to determine the role of this variant in disease. Therefore, it has been classified as a Variant of Uncertain Significance. Advanced modeling of protein sequence and biophysical properties (such as structural, functional, and spatial information, amino acid conservation, physicochemical variation, residue mobility, and thermodynamic stability) performed at Invitae indicates that this missense variant is not expected to disrupt POMGNT2 protein function. ClinVar contains an entry for this variant (Variation ID: 1040703). This variant has not been reported in the literature in individuals affected with POMGNT2-related conditions. This variant is present in population databases (rs752677359, gnomAD 0.02%). This sequence change replaces arginine, which is basic and polar, with glutamine, which is neutral and polar, at codon 269 of the POMGNT2 protein (p.Arg269Gln).

NM_032806.6(POMGNT2):c.806G>A (p.Arg269Gln)

Gene: POMGNT2 (protein O-linked mannose N-acetylglucosaminyltransferase 2 (beta 1,4-); minus strand). Cytogenetic location: 3p22.1.
Variant type: single nucleotide variant.
Coding change: c.806G>A on transcript NM_032806.6 (MANE Select); coding-DNA position 806, G replaced by A.
Protein change: p.Arg269Gln; replaces arginine 269 with glutamine.
Molecular consequence: missense variant.
Genome position (GRCh38, 1-based): chr3:43,080,626, C>T on the plus strand (G>A on the coding strand, the complement: POMGNT2 is on the minus strand). VCF-style: chr3-43080626-C-T. GRCh37 (hg19) VCF-style: chr3-43122118-C-T.
Other names: short protein forms R269Q.
Identifiers: ClinVar variation 1040703 (VCV001040703.3), dbSNP rs752677359, ClinGen allele CA2339989.
Genomic context (GRCh38, chr3:43,080,626, plus strand): 5'-ATGTACTCCTCGCCTAGGGGGACTCCTGTGTGGCTCACGTTCAGCTTTTCTGTCATGAAC[C>T]GTGCAAACTGCCGGATCTCATTGCCTGAGACGAGGATGTTGGCCTTCGGGCCCTGGGGCT-3'
Protein context (NP_116195.2, residues 259-279): VSGNEIRQFA[Arg269Gln]FMTEKLNVSH